The following is an entry in ClinVar:

NM_000099.4(CST3):c.212G>A (p.Arg71His)

Genes: CST3 (cystatin C; minus strand), LOC130065546 (ATAC-STARR-seq lymphoblastoid silent region 12733; plus strand). Cytogenetic location: 20p11.21.
Variant type: single nucleotide variant.
Coding change: c.212G>A on transcript NM_000099.4 (MANE Select); coding-DNA position 212, G replaced by A.
Protein change: p.Arg71His; replaces arginine 71 with histidine.
Molecular consequence: missense variant.
Genome position (GRCh38, 1-based): chr20:23,637,651, C>T on the plus strand (G>A on the coding strand, the complement: CST3 is on the minus strand). VCF-style: chr20-23637651-C-T. GRCh37 (hg19) VCF-style: chr20-23618288-C-T.
Other names: c.212G>A, p.Arg71His (NM_001288614.2); short protein forms R71H.
Identifiers: ClinVar variation 2440591 (VCV002440591.4), dbSNP rs11542360, ClinGen allele CA313615322.

ClinVar aggregate classification (germline): Uncertain significance. Review status: criteria provided, multiple submitters, no conflicts (2 of 4 stars). 2 submissions from 2 submitters: Uncertain significance (2). Last evaluated 2025-12-28.

Conditions:
Hereditary cerebral amyloid angiopathy, Icelandic type. Also called: CEREBRAL AMYLOID ANGIOPATHY, CST3-RELATED; AMYLOIDOSIS VI; AMYLOIDOSIS, CEREBROARTERIAL, ICELANDIC TYPE; ACys amyloidosis. Identifiers: Orphanet 100008, Orphanet 85458, MedGen C1527338, MONDO:0007098, OMIM 105150.

Allele frequency attached by ClinVar (database versions not stated): gnomAD 0.00001; TOPMed 0.00002.
gnomAD v4.1: 16 of 1,528,082 alleles (0.001%); highest among the groups gnomAD compares: East Asian, 0.0026%; no homozygotes.

Submissions (2):

Labcorp Genetics (formerly Invitae), Labcorp
Classification: Uncertain significance. Last evaluated: 2025-12-28. Review status: criteria provided, single submitter. Criteria: Invitae Variant Classification Sherloc (09022015). Collection method: clinical testing. Allele origin: germline.
Comment: This sequence change replaces arginine, which is basic and polar, with histidine, which is basic and polar, at codon 71 of the CST3 protein (p.Arg71His). The frequency data for this variant in the population databases is considered unreliable, as metrics indicate poor data quality at this position in the gnomAD database. This variant has not been reported in the literature in individuals affected with CST3-related conditions. ClinVar contains an entry for this variant (Variation ID: 2440591). An algorithm developed to predict the effect of missense changes on protein structure and function (PolyPhen-2) suggests that this variant is likely to be disruptive. In summary, the available evidence is currently insufficient to determine the role of this variant in disease. Therefore, it has been classified as a Variant of Uncertain Significance.

Revvity Omics, Revvity
Classification: Uncertain significance for Hereditary cerebral amyloid angiopathy, Icelandic type. Last evaluated: 2021-03-05. Review status: criteria provided, single submitter. Criteria: ACMG Guidelines, 2015. Collection method: clinical testing. Allele origin: germline.